The following is an entry in ClinVar:

NM_001447.3(FAT2):c.12845G>A (p.Arg4282Gln)

Genes: FAT2 (FAT atypical cadherin 2; minus strand), SLC36A1 (solute carrier family 36 member 1; plus strand). Cytogenetic location: 5q33.1.
Variant type: single nucleotide variant.
Coding change: c.12845G>A on transcript NM_001447.3 (MANE Select); coding-DNA position 12845, G replaced by A.
Protein change: p.Arg4282Gln; replaces arginine 4282 with glutamine.
Molecular consequence: missense variant.
Genome position (GRCh38, 1-based): chr5:151,505,770, C>T on the plus strand (G>A on the coding strand, the complement: FAT2 is on the minus strand). VCF-style: chr5-151505770-C-T. GRCh37 (hg19) VCF-style: chr5-150885331-C-T.
Other names: short protein forms R4282Q.
Identifiers: ClinVar variation 3277809 (VCV003277809.2).

ClinVar aggregate classification (germline): Uncertain significance. Review status: criteria provided, multiple submitters, no conflicts (2 of 4 stars). 2 submissions from 2 submitters: Uncertain significance (2). Last evaluated 2024-07-10.

gnomAD v4.1: 23 of 1,614,060 alleles (0.0014%); highest among the groups gnomAD compares: Admixed American, 0.005%; no homozygotes.

Submissions (2):

Women's Health and Genetics/Laboratory Corporation of America, LabCorp
Classification: Uncertain significance. Last evaluated: 2024-07-10. Review status: criteria provided, single submitter. Criteria: LabCorp Variant Classification Summary - May 2015. Collection method: clinical testing. Allele origin: germline.
Comment: Variant summary: FAT2 c.12845G>A (p.Arg4282Gln) results in a conservative amino acid change in the encoded protein sequence. Four of four in-silico tools predict a benign effect of the variant on protein function. The variant allele was found at a frequency of 3.6e-05 in 250796 control chromosomes in gnomAD v2.1. The available data on variant occurrences in the general population are insufficient to allow any conclusion about variant significance. To our knowledge, no occurrence of c.12845G>A in individuals affected with Spinocerebellar Ataxia 45 and no experimental evidence demonstrating its impact on protein function have been reported. No submitters have cited clinical-significance assessments for this variant to ClinVar. Based on the evidence outlined above, the variant was classified as uncertain significance.

Ambry Genetics
Classification: Uncertain significance. Last evaluated: 2024-05-02. Review status: criteria provided, single submitter. Criteria: Ambry Variant Classification Scheme 2023. Collection method: clinical testing. Allele origin: germline.